The following is an entry in ClinVar:

NC_000017.10:g.(?_59820374)_(59886118_?)dup

Genes: BRIP1 (BRCA1 interacting DNA helicase 1; minus strand), LOC130061360 (ATAC-STARR-seq lymphoblastoid active region 12535; plus strand). Cytogenetic location: 17q23.2.
Variant type: Duplication.
Identifiers: ClinVar variation 417418 (VCV000417418.2).

ClinVar aggregate classification (germline): Uncertain significance (1 of 4 stars; one submission).

Conditions:
Fanconi anemia complementation group J. Also called: BRIP1-Related Fanconi Anemia. Identifiers: Orphanet 84, MedGen C1836860, MONDO:0012187, OMIM 609054.
Familial cancer of breast. Also called: Hereditary breast cancer; BREAST CANCER, FAMILIAL; hereditary breast carcinoma. Identifiers: Orphanet 227535, MedGen C0346153, MONDO:0016419, OMIM 114480. Disease mechanism: loss of function.

Submission:

Labcorp Genetics (formerly Invitae), Labcorp
Classification: Uncertain significance for Familial cancer of breast; Fanconi anemia complementation group J. Last evaluated: 2016-07-17. Review status: criteria provided, single submitter. Criteria: Invitae Variant Classification Sherloc (09022015). Collection method: clinical testing. Allele origin: germline.
Comment: This variant is a gross duplication of the genomic region encompassing exons 7-16 of the BRIP1 gene. While the exact position of the duplicated exons cannot be determined from this data, the duplicated copy of this region is likely in tandem and in-frame, therefore preserving the integrity of the reading frame. This gross duplication is not present in population databases and it has not been reported in the literature in individuals with a BRIP1-related disease. In summary, this variant is a novel sub-genic duplication with unknown impact on protein function. It has been classified as a Variant of Uncertain Significance.